The following is an entry in ClinVar:

ClinVar aggregate classification (germline): Uncertain significance (1 of 4 stars; one submission).

Allele frequency attached by ClinVar (database versions not stated): gnomAD exomes below 0.00001; ExAC 0.00002.
gnomAD v4.1: 4 of 1,613,794 alleles (0.00025%); highest among the groups gnomAD compares: Non-Finnish European, 0.00034%; no homozygotes.

Submission:

Labcorp Genetics (formerly Invitae), Labcorp
Classification: Uncertain significance. Last evaluated: 2023-03-27. Review status: criteria provided, single submitter. Criteria: Invitae Variant Classification Sherloc (09022015). Collection method: clinical testing. Allele origin: germline.
Comment: In summary, the available evidence is currently insufficient to determine the role of this variant in disease. Therefore, it has been classified as a Variant of Uncertain Significance. Advanced modeling of protein sequence and biophysical properties (such as structural, functional, and spatial information, amino acid conservation, physicochemical variation, residue mobility, and thermodynamic stability) performed at Invitae indicates that this missense variant is not expected to disrupt DSG1 protein function. ClinVar contains an entry for this variant (Variation ID: 2177742). This variant has not been reported in the literature in individuals affected with DSG1-related conditions. This variant is present in population databases (rs757724113, gnomAD 0.003%). This sequence change replaces alanine, which is neutral and non-polar, with valine, which is neutral and non-polar, at codon 355 of the DSG1 protein (p.Ala355Val).

NM_001942.4(DSG1):c.1064C>T (p.Ala355Val)

Gene: DSG1 (desmoglein 1; plus strand). Cytogenetic location: 18q12.1.
Variant type: single nucleotide variant.
Coding change: c.1064C>T on transcript NM_001942.4 (MANE Select); coding-DNA position 1064, C replaced by T.
Protein change: p.Ala355Val; replaces alanine 355 with valine.
Molecular consequence: missense variant.
Genome position (GRCh38, 1-based): chr18:31,336,412, C>T. VCF-style: chr18-31336412-C-T. GRCh37 (hg19) VCF-style: chr18-28916375-C-T.
Other names: short protein forms A355V.
Identifiers: ClinVar variation 2177742 (VCV002177742.4), dbSNP rs757724113, ClinGen allele CA8926010.